The following is an entry in ClinVar:

ClinVar aggregate classification (germline): Uncertain significance (1 of 4 stars; one submission).

gnomAD v4.1: 4 of 1,614,218 alleles (0.00025%); highest among the groups gnomAD compares: African/African-American, 0.0013%; no homozygotes.

Submission:

Labcorp Genetics (formerly Invitae), Labcorp
Classification: Uncertain significance. Last evaluated: 2025-11-08. Review status: criteria provided, single submitter. Criteria: Invitae Variant Classification Sherloc (09022015). Collection method: clinical testing. Allele origin: germline.
Comment: This sequence change replaces isoleucine, which is neutral and non-polar, with valine, which is neutral and non-polar, at codon 1948 of the SPTB protein (p.Ile1948Val). This variant is present in population databases (no rsID available, gnomAD 0.002%). This variant has not been reported in the literature in individuals affected with SPTB-related conditions. An algorithm developed to predict the effect of missense changes on protein structure and function (PolyPhen-2) suggests that this variant is likely to be tolerated. In summary, the available evidence is currently insufficient to determine the role of this variant in disease. Therefore, it has been classified as a Variant of Uncertain Significance.

NM_001355436.2(SPTB):c.5842A>G (p.Ile1948Val)

Gene: SPTB (spectrin beta, erythrocytic; minus strand). Cytogenetic location: 14q23.3.
Variant type: single nucleotide variant.
Coding change: c.5842A>G on transcript NM_001355436.2 (MANE Select); coding-DNA position 5842, A replaced by G.
Protein change: p.Ile1948Val; replaces isoleucine 1948 with valine.
Molecular consequence: missense variant.
Genome position (GRCh38, 1-based): chr14:64,769,685, T>C on the plus strand (A>G on the coding strand, the complement: SPTB is on the minus strand). VCF-style: chr14-64769685-T-C. GRCh37 (hg19) VCF-style: chr14-65236403-T-C.
Other names: c.5842A>G, p.Ile1948Val (NM_001024858.4, NM_001355437.2); short protein forms I1948V.
Identifiers: ClinVar variation 4800006 (VCV004800006.1).